The following is an entry in ClinVar:

NM_181332.3(NLGN4X):c.2055C>G (p.Leu685=)

Gene: NLGN4X (neuroligin 4 X-linked; minus strand). Cytogenetic location: Xp22.32.
Variant type: single nucleotide variant.
Coding change: c.2055C>G on transcript NM_181332.3 (MANE Select); coding-DNA position 2055, C replaced by G.
Protein change: p.Leu685=; no amino-acid change (leucine 685 retained).
Molecular consequence: synonymous variant.
Genome position (GRCh38, 1-based): chrX:5,893,213, G>C on the plus strand (C>G on the coding strand, the complement: NLGN4X is on the minus strand). VCF-style: chrX-5893213-G-C. GRCh37 (hg19) VCF-style: chrX-5811254-G-C.
Other names: c.2055C>G, p.Leu685= (NM_001282145.2, NM_001282146.2, NM_020742.4).
Identifiers: ClinVar variation 2659896 (VCV002659896.25), dbSNP rs147070637, ClinGen allele CA515368210.

ClinVar aggregate classification (germline): Likely benign. Review status: criteria provided, multiple submitters, no conflicts (2 of 4 stars). 2 submissions from 2 submitters: Likely benign (2). Last evaluated 2022-08-01.

gnomAD v4.1: 3 of 1,211,443 alleles (0.00025%); highest among the groups gnomAD compares: Non-Finnish European, 0.00034%; no homozygotes.

Submissions (2):

CeGaT Center for Human Genetics Tuebingen
Classification: Likely benign. Last evaluated: 2022-08-01. Review status: criteria provided, single submitter. Criteria: CeGaT Center For Human Genetics Tuebingen Variant Classification Criteria Version 2. Collection method: clinical testing. Allele origin: germline. Affected: yes. Observed: 1 variant allele.
Comment: NLGN4X: PM2:Supporting, BP4, BP7

Blueprint Genetics
Classification: Likely benign. Last evaluated: 2020-10-22. Review status: criteria provided, single submitter. Criteria: ACMG Guidelines, 2015. Collection method: clinical testing. Allele origin: germline.